The following is an entry in ClinVar:

NM_001079858.3(ADGRG2):c.56T>C (p.Leu19Pro)

Gene: ADGRG2 (adhesion G protein-coupled receptor G2; minus strand). Cytogenetic location: Xp22.13.
Variant type: single nucleotide variant.
Coding change: c.56T>C on transcript NM_001079858.3 (MANE Select); coding-DNA position 56, T replaced by C.
Protein change: p.Leu19Pro; replaces leucine 19 with proline.
Molecular consequence: missense variant.
Genome position (GRCh38, 1-based): chrX:19,068,779, A>G on the plus strand (T>C on the coding strand, the complement: ADGRG2 is on the minus strand). VCF-style: chrX-19068779-A-G. GRCh37 (hg19) VCF-style: chrX-19086897-A-G.
Other names: c.56T>C, p.Leu19Pro (NM_001079859.3, NM_001079860.3, NM_001184833.2 and 5 more transcripts); short protein forms L19P.
Identifiers: ClinVar variation 2660122 (VCV002660122.25), dbSNP rs189104619, ClinGen allele CA10362881.

ClinVar aggregate classification (germline): Conflicting classifications of pathogenicity. Review status: criteria provided, conflicting classifications (1 of 4 stars). 2 submissions from 2 submitters: Uncertain significance (1); Likely benign (1). Last evaluated 2023-09-01.

Conditions:
Congenital bilateral aplasia of vas deferens from CFTR mutation (CBAVD). Identifiers: Orphanet 48, MedGen C0403814, MONDO:0010178, OMIM 277180. Disease mechanism: loss of function.

Allele frequency attached by ClinVar (database versions not stated): TOPMed 0.00015; ESP Exome Variant Server 0.00019; 1000 Genomes Project 30x 0.00021; 1000 Genomes Project 0.00026; gnomAD 0.00028; gnomAD exomes 0.00030; ExAC 0.00037.
gnomAD v4.1: 353 of 1,170,190 alleles (0.03%); highest among the groups gnomAD compares: Non-Finnish European, 0.03%; 1 homozygote.

Submissions (2):

CeGaT Center for Human Genetics Tuebingen
Classification: Likely benign. Last evaluated: 2023-09-01. Review status: criteria provided, single submitter. Criteria: CeGaT Center For Human Genetics Tuebingen Variant Classification Criteria Version 2. Collection method: clinical testing. Allele origin: germline. Affected: yes. Observed: 2 variant alleles.
Comment: ADGRG2: BS2

Department of Pathology and Laboratory Medicine, Sinai Health System
Classification: Uncertain significance for Congenital bilateral aplasia of vas deferens from CFTR mutation. Last evaluated: 2023-02-07. Review status: criteria provided, single submitter. Criteria: ACMG Guidelines, 2015. Collection method: research. Allele origin: germline.